The following is an entry in ClinVar:

NM_001036.6(RYR3):c.9646A>G (p.Ile3216Val)

Gene: RYR3 (ryanodine receptor 3; plus strand). Cytogenetic location: 15q14.
Variant type: single nucleotide variant.
Coding change: c.9646A>G on transcript NM_001036.6 (MANE Select); coding-DNA position 9646, A replaced by G.
Protein change: p.Ile3216Val; replaces isoleucine 3216 with valine.
Molecular consequence: missense variant.
Genome position (GRCh38, 1-based): chr15:33,788,274, A>G. VCF-style: chr15-33788274-A-G. GRCh37 (hg19) VCF-style: chr15-34080475-A-G.
Other names: c.9646A>G, p.Ile3216Val (NM_001243996.4); short protein forms I3216V.
Identifiers: ClinVar variation 1350067 (VCV001350067.8), dbSNP rs762804569, ClinGen allele CA7460580.

ClinVar aggregate classification (germline): Uncertain significance (1 of 4 stars; one submission).

Conditions:
Epileptic encephalopathy. Identifiers: MedGen C0543888, HP:0200134.

Allele frequency attached by ClinVar (database versions not stated): gnomAD exomes below 0.00001; ExAC 0.00001.
gnomAD v4.1: 2 of 1,614,024 alleles (0.00012%); highest among the groups gnomAD compares: Admixed American, 0.0017%; no homozygotes.

Submission:

Labcorp Genetics (formerly Invitae), Labcorp
Classification: Uncertain significance for Epileptic encephalopathy. Last evaluated: 2020-11-21. Review status: criteria provided, single submitter. Criteria: Invitae Variant Classification Sherloc (09022015). Collection method: clinical testing. Allele origin: germline.
Comment: Algorithms developed to predict the effect of missense changes on protein structure and function (SIFT, PolyPhen-2, Align-GVGD) all suggest that this variant is likely to be tolerated, but these predictions have not been confirmed by published functional studies and their clinical significance is uncertain. In summary, the available evidence is currently insufficient to determine the role of this variant in disease. Therefore, it has been classified as a Variant of Uncertain Significance. This variant has not been reported in the literature in individuals with RYR3-related conditions. This sequence change replaces isoleucine with valine at codon 3216 of the RYR3 protein (p.Ile3216Val). The isoleucine residue is moderately conserved and there is a small physicochemical difference between isoleucine and valine. This variant is present in population databases (rs762804569, ExAC 0.009%).